The following is an entry in ClinVar:

NM_005431.2(XRCC2):c.100G>A (p.Asp34Asn)

Gene: XRCC2 (X-ray repair cross complementing 2; minus strand). Cytogenetic location: 7q36.1.
Variant type: single nucleotide variant.
Coding change: c.100G>A on transcript NM_005431.2 (MANE Select); coding-DNA position 100, G replaced by A.
Protein change: p.Asp34Asn; replaces aspartic acid 34 with asparagine.
Molecular consequence: missense variant.
Genome position (GRCh38, 1-based): chr7:152,660,722, C>T on the plus strand (G>A on the coding strand, the complement: XRCC2 is on the minus strand). VCF-style: chr7-152660722-C-T. GRCh37 (hg19) VCF-style: chr7-152357807-C-T.
Other names: short protein forms D34N.
Identifiers: ClinVar variation 3224658 (VCV003224658.1), dbSNP rs1563030168, ClinGen allele CA370199439.

ClinVar aggregate classification (germline): Uncertain significance (1 of 4 stars; one submission).

Conditions:
Hereditary cancer-predisposing syndrome. Also called: Tumor predisposition; Hereditary neoplastic syndrome; Hereditary Cancer Syndrome; Neoplastic Syndromes, Hereditary. Identifiers: Orphanet 140162, MedGen C0027672, MeSH D009386, MONDO:0015356.

Allele frequency attached by ClinVar (database versions not stated): gnomAD exomes below 0.00001; TOPMed 0.00001.
gnomAD v4.1: 2 of 1,613,388 alleles (0.00012%); highest among the groups gnomAD compares: African/African-American, 0.0027%; no homozygotes.

Submission:

Ambry Genetics
Classification: Uncertain significance for Hereditary cancer-predisposing syndrome. Last evaluated: 2024-02-05. Review status: criteria provided, single submitter. Criteria: Ambry Variant Classification Scheme 2023. Collection method: clinical testing. Allele origin: germline.
Comment: The p.D34N variant (also known as c.100G>A), located in coding exon 2 of the XRCC2 gene, results from a G to A substitution at nucleotide position 100. The aspartic acid at codon 34 is replaced by asparagine, an amino acid with highly similar properties. This amino acid position is conserved. In addition, this alteration is predicted to be tolerated by in silico analysis. Based on the available evidence, the clinical significance of this alteration remains unclear.